The following is an entry in ClinVar:

NM_014297.5(ETHE1):c.-24A>C

Genes: ETHE1 (ETHE1 persulfide dioxygenase; minus strand), LOC130064595 (ATAC-STARR-seq lymphoblastoid silent region 10721; plus strand). Cytogenetic location: 19q13.31.
Variant type: single nucleotide variant.
Coding change: c.-24A>C on transcript NM_014297.5 (MANE Select); 24 bases upstream of the start codon, A replaced by C.
Molecular consequence: 5 prime UTR variant.
Genome position (GRCh38, 1-based): chr19:43,527,201, T>G on the plus strand (A>C on the coding strand, the complement: ETHE1 is on the minus strand). VCF-style: chr19-43527201-T-G. GRCh37 (hg19) VCF-style: chr19-44031353-T-G.
Other names: c.-24A>C (NM_001320867.2, NM_001320869.2); c.-244A>C (NM_001320868.2).
Identifiers: ClinVar variation 381027 (VCV000381027.1), dbSNP rs539321356, ClinGen allele CA16608267.

ClinVar aggregate classification (germline): Likely benign (1 of 4 stars; one submission).

Allele frequency attached by ClinVar (database versions not stated): gnomAD 0.00001; gnomAD exomes 0.00001; TOPMed 0.00002; 1000 Genomes Project 30x 0.00031; 1000 Genomes Project 0.00040.
gnomAD v4.1: 8 of 1,533,768 alleles (0.00052%); highest among the groups gnomAD compares: African/African-American, 0.0068%; no homozygotes.

Submission:

GeneDx
Classification: Likely benign. Last evaluated: 2017-06-20. Review status: criteria provided, single submitter. Criteria: GeneDx Variant Classification (06012015). Collection method: clinical testing. Allele origin: germline. Affected: yes.
Comment: This variant is considered likely benign or benign based on one or more of the following criteria: it is a conservative change, it occurs at a poorly conserved position in the protein, it is predicted to be benign by multiple in silico algorithms, and/or has population frequency not consistent with disease.